The following is an entry in ClinVar:

NM_001257180.2(SLC20A2):c.730_730+1del

Gene: SLC20A2 (solute carrier family 20 member 2; minus strand). Cytogenetic location: 8p11.21.
Variant type: Deletion.
Coding change: c.730_730+1del on transcript NM_001257180.2 (MANE Select); coding-DNA position 730 through the canonical splice donor site of the intron after coding-DNA position 730, 2 bases deleted (GG; older notation c.730_730+1delGG).
Molecular consequence: splice donor variant.
Genome position (GRCh38, 1-based): chr8:42,444,645-42,444,646, CC deleted on the plus strand (GG on the coding strand, the reverse complement: SLC20A2 is on the minus strand). VCF-style (leftmost placement, unchanged base first): chr8-42444644-ACC-A. GRCh37 (hg19) VCF-style: chr8-42302162-ACC-A.
Other names: c.730_730+1del (NM_006749.5, NM_001257181.2).
Identifiers: ClinVar variation 2499074 (VCV002499074.28), dbSNP rs2487296166, ClinGen allele CA2580078318.

ClinVar aggregate classification (germline): Pathogenic (1 of 4 stars; one submission).

Submission:

CeGaT Center for Human Genetics Tuebingen
Classification: Pathogenic. Last evaluated: 2023-03-01. Review status: criteria provided, single submitter. Criteria: CeGaT Center For Human Genetics Tuebingen Variant Classification Criteria Version 2. Collection method: clinical testing. Allele origin: germline. Affected: yes. Observed: 1 variant allele.
Comment: SLC20A2: PVS1, PM2